The following is an entry in ClinVar:

NM_198578.4(LRRK2):c.4312A>G (p.Ile1438Val)

Gene: LRRK2 (leucine rich repeat kinase 2; plus strand). Cytogenetic location: 12q12.
Variant type: single nucleotide variant.
Coding change: c.4312A>G on transcript NM_198578.4 (MANE Select); coding-DNA position 4312, A replaced by G.
Protein change: p.Ile1438Val; replaces isoleucine 1438 with valine.
Molecular consequence: missense variant.
Genome position (GRCh38, 1-based): chr12:40,309,228, A>G. VCF-style: chr12-40309228-A-G. GRCh37 (hg19) VCF-style: chr12-40703030-A-G.
Other names: short protein forms I1438V.
Identifiers: ClinVar variation 3229643 (VCV003229643.1), dbSNP rs1944946357, ClinGen allele CA384418233.

ClinVar aggregate classification (germline): Uncertain significance (1 of 4 stars; one submission).

Conditions:
Inborn genetic diseases. Identifiers: MedGen C0950123, MeSH D030342.

Allele frequency attached by ClinVar (database versions not stated): gnomAD exomes below 0.00001; TOPMed below 0.00001.
gnomAD v4.1: 1 of 1,613,548 alleles (0.000062%); highest among the groups gnomAD compares: Non-Finnish European, 0.000085%; no homozygotes.

Submission:

Ambry Genetics
Classification: Uncertain significance for Inborn genetic diseases. Last evaluated: 2024-02-09. Review status: criteria provided, single submitter. Criteria: Ambry Variant Classification Scheme 2023. Collection method: clinical testing. Allele origin: germline.
Comment: The p.I1438V variant (also known as c.4312A>G), located in coding exon 30 of the LRRK2 gene, results from an A to G substitution at nucleotide position 4312. The isoleucine at codon 1438 is replaced by valine, an amino acid with highly similar properties. This amino acid position is conserved. In addition, the in silico prediction for this alteration is inconclusive. Based on the available evidence, the clinical significance of this alteration remains unclear.